The following is an entry in ClinVar:

ClinVar aggregate classification (germline): Uncertain significance (1 of 4 stars; one submission).

Conditions:
Hereditary cancer-predisposing syndrome. Also called: Neoplastic Syndromes, Hereditary; Tumor predisposition; Hereditary Cancer Syndrome; Hereditary neoplastic syndrome. Identifiers: Orphanet 140162, MedGen C0027672, MeSH D009386, MONDO:0015356.

Submission:

Ambry Genetics
Classification: Uncertain significance for Hereditary cancer-predisposing syndrome. Last evaluated: 2025-04-22. Review status: criteria provided, single submitter. Criteria: Ambry Variant Classification Scheme 2023. Collection method: clinical testing. Allele origin: germline.
Comment: The c.1144-1G>A intronic variant results from a G to A substitution one nucleotide upstream from coding exon 8 of the CTNNA1 gene. This nucleotide position is highly conserved in available vertebrate species. Alterations that disrupt the canonical splice site are expected to result in aberrant splicing. In silico splice site analysis predicts that this alteration will weaken the native splice acceptor site and will result in the creation or strengthening of a novel splice acceptor site. A resulting transcript is predicted to be in-frame and is not expected to trigger nonsense-mediated mRNA decay; although, direct evidence is unavailable. Based on the available evidence, the clinical significance of this variant remains unclear.

NM_001903.5(CTNNA1):c.1144-1G>A

Gene: CTNNA1 (catenin alpha 1; plus strand). Cytogenetic location: 5q31.2.
Variant type: single nucleotide variant.
Coding change: c.1144-1G>A on transcript NM_001903.5 (MANE Select); the canonical splice acceptor site of the intron before coding-DNA position 1144, G replaced by A.
Molecular consequence: splice acceptor variant. On other transcripts: intron variant (2).
Genome position (GRCh38, 1-based): chr5:138,887,489, G>A. VCF-style: chr5-138887489-G-A. GRCh37 (hg19) VCF-style: chr5-138223178-G-A.
Other names: c.1144-1G>A (NM_001323982.2, NM_001323984.2, NM_001290307.3 and 3 more transcripts); c.775-1G>A (NM_001290310.3); c.835-1G>A (NM_001290309.3); c.34-1G>A (NM_001323996.1, NM_001323993.1, NM_001324005.1 and 18 more transcripts); c.-364-1G>A (NM_001324007.1, NM_001324009.1, NM_001324006.1 and 1 more transcripts); c.-239-1G>A (NM_001324013.1); c.-58+11892G>A (NM_001324012.1); c.-61+11892G>A (NM_001324010.1).
Identifiers: ClinVar variation 1731990 (VCV001731990.3), dbSNP rs2533011608, ClinGen allele CA361132862.
Genomic context (GRCh38, chr5:138,887,489, plus strand): 5'-GCAATCTATTTAATACCTTTTTGGTAGAAATAAAATCAAATTTTTACAATTTAATCATTA[G>A]CTCCGCAAAGCTGTCATGGACCACGTTTCAGATTCTTTCCTGGAAACCAATGTTCCACTT-3'